The following is an entry in ClinVar:

NM_003242.6(TGFBR2):c.1680C>T (p.Asp560=)

Gene: TGFBR2 (transforming growth factor beta receptor 2; plus strand). Cytogenetic location: 3p24.1.
Variant type: single nucleotide variant.
Coding change: c.1680C>T on transcript NM_003242.6 (MANE Select); coding-DNA position 1680, C replaced by T.
Protein change: p.Asp560=; no amino-acid change (aspartic acid 560 retained).
Molecular consequence: synonymous variant.
Genome position (GRCh38, 1-based): chr3:30,691,575, C>T. VCF-style: chr3-30691575-C-T. GRCh37 (hg19) VCF-style: chr3-30733067-C-T.
Other names: c.1863C>T, p.Asp621= (NM_001407126.1); c.1788C>T, p.Asp596= (NM_001407127.1); c.1707C>T, p.Asp569= (NM_001407128.1); c.1683C>T, p.Asp561= (NM_001407129.1); c.1677C>T, p.Asp559= (NM_001407130.1); c.1575C>T, p.Asp525= (NM_001407132.1, NM_001407133.1, NM_001407134.1 and 2 more transcripts); c.1395C>T, p.Asp465= (NM_001407137.1); c.1320C>T, p.Asp440= (NM_001407138.1); and 2 more.
Identifiers: ClinVar variation 924863 (VCV000924863.42), dbSNP rs376815143, ClinGen allele CA047312.

ClinVar aggregate classification (germline): Likely benign. Review status: criteria provided, multiple submitters, no conflicts (2 of 4 stars). 8 submissions from 8 submitters: Likely benign (7). 1 of the submissions does not count toward it. Last evaluated 2025-08-29.

Conditions:
Familial thoracic aortic aneurysm and aortic dissection (TAAD). Also called: Thoracic aortic aneurysms and dissections. Identifiers: Orphanet 91387, MedGen C4707243, MONDO:0019625.
TGFBR2-related disorder. Also called: TGFBR2-related condition.
Loeys-Dietz syndrome 2 (LDS2). Also called: AORTIC ANEURYSM, FAMILIAL THORACIC 3; MARFAN SYNDROME, TYPE II; Marfan syndrome, type 2 (formerly); TGFBR2-Related Loeys-Dietz Syndrome; Marfan Syndrome type 2; Marfan like connective tissue disorder. Identifiers: Orphanet 284973, Orphanet 558, MedGen C2674574, MONDO:0012427, OMIM 610168.

Allele frequency attached by ClinVar (database versions not stated): ExAC 0.00002; gnomAD exomes 0.00003; TOPMed 0.00003; ESP Exome Variant Server 0.00008.
gnomAD v4.1: 32 of 1,613,958 alleles (0.002%); highest among the groups gnomAD compares: Middle Eastern, 0.016%; no homozygotes.

Submissions (8):

Labcorp Genetics (formerly Invitae), Labcorp
Classification: Likely benign for Familial thoracic aortic aneurysm and aortic dissection. Last evaluated: 2025-08-29. Review status: criteria provided, single submitter. Criteria: Invitae Variant Classification Sherloc (09022015). Collection method: clinical testing. Allele origin: germline.

All of Us Research Program, National Institutes of Health
Classification: Likely benign for Loeys-Dietz syndrome 2. Last evaluated: 2023-12-13. Review status: criteria provided, single submitter. Criteria: ACMG Guidelines, 2015. Collection method: clinical testing. Allele origin: germline. Inheritance: Autosomal dominant inheritance. Observed: 4 variant alleles, 4 heterozygotes.
Comment: This study involves interpretation of variants in research participants for the purpose of population health screening. Participant phenotype was not available at the time of variant classification. Additional details can be found in publication PMID: 35346344, PMCID: PMC8962531

CeGaT Center for Human Genetics Tuebingen
Classification: Likely benign. Last evaluated: 2023-12-01. Review status: criteria provided, single submitter. Criteria: CeGaT Center For Human Genetics Tuebingen Variant Classification Criteria Version 2. Collection method: clinical testing. Allele origin: germline. Affected: yes. Observed: 1 variant allele.
Comment: TGFBR2: BP4, BP7

Blueprint Genetics
Classification: Likely benign. Last evaluated: 2023-03-30. Review status: criteria provided, single submitter. Criteria: ACMG Guidelines, 2015. Collection method: clinical testing. Allele origin: germline.

Ambry Genetics
Classification: Likely benign for Familial thoracic aortic aneurysm and aortic dissection. Last evaluated: 2021-12-03. Review status: criteria provided, single submitter. Criteria: Ambry Variant Classification Scheme 2023. Collection method: clinical testing. Allele origin: germline.

ARUP Laboratories, Molecular Genetics and Genomics, ARUP Laboratories
Classification: Likely benign. Last evaluated: 2019-08-01. Review status: criteria provided, single submitter. Criteria: ARUP Molecular Germline Variant Investigation Process. Collection method: clinical testing. Allele origin: germline.

Color Diagnostics, LLC DBA Color Health
Classification: Likely benign for Familial thoracic aortic aneurysm and aortic dissection. Last evaluated: 2019-01-06. Review status: criteria provided, single submitter. Criteria: ACMG Guidelines, 2015. Collection method: clinical testing. Allele origin: germline.

PreventionGenetics, part of Exact Sciences
Classification: Likely benign for TGFBR2-related condition. Last evaluated: 2019-07-10. Review status: no assertion criteria provided. Collection method: clinical testing. Allele origin: germline. Not counted in ClinVar's aggregate classification.
Comment: This variant is classified as likely benign based on ACMG/AMP sequence variant interpretation guidelines (Richards et al. 2015 PMID: 25741868, with internal and published modifications).